The following is an entry in ClinVar:

NM_001277115.2(DNAH11):c.8335C>A (p.Leu2779Met)

Gene: DNAH11 (dynein axonemal heavy chain 11; plus strand). Cytogenetic location: 7p15.3.
Variant type: single nucleotide variant.
Coding change: c.8335C>A on transcript NM_001277115.2 (MANE Select); coding-DNA position 8335, C replaced by A.
Protein change: p.Leu2779Met; replaces leucine 2779 with methionine.
Molecular consequence: missense variant.
Genome position (GRCh38, 1-based): chr7:21,744,888, C>A. VCF-style: chr7-21744888-C-A. GRCh37 (hg19) VCF-style: chr7-21784506-C-A.
Other names: short protein forms L2779M.
Identifiers: ClinVar variation 376823 (VCV000376823.14), dbSNP rs760409547, ClinGen allele CA4181574.

ClinVar aggregate classification (germline): Conflicting classifications of pathogenicity. Review status: criteria provided, conflicting classifications (1 of 4 stars). 3 submissions from 3 submitters: Uncertain significance (2); Benign (1). Last evaluated 2025-12-23.

Conditions:
Primary ciliary dyskinesia. Also called: Ciliary dyskinesia. Identifiers: Orphanet 244, MedGen C0008780, MONDO:0016575, HP:0012265.

Allele frequency attached by ClinVar (database versions not stated): gnomAD 0.00003 and 0.00004; ExAC 0.00005; TOPMed 0.00011.
gnomAD v4.1: 61 of 1,609,540 alleles (0.0038%); highest among the groups gnomAD compares: Admixed American, 0.01%; no homozygotes.

Submissions (3):

Labcorp Genetics (formerly Invitae), Labcorp
Classification: Benign for Primary ciliary dyskinesia. Last evaluated: 2025-12-23. Review status: criteria provided, single submitter. Criteria: Invitae Variant Classification Sherloc (09022015). Collection method: clinical testing. Allele origin: germline.

Ambry Genetics
Classification: Uncertain significance for Primary ciliary dyskinesia. Last evaluated: 2025-05-30. Review status: criteria provided, single submitter. Criteria: Ambry Variant Classification Scheme 2023. Collection method: clinical testing. Allele origin: germline.
Comment: The p.L2779M variant (also known as c.8335C>A), located in coding exon 51 of the DNAH11 gene, results from a C to A substitution at nucleotide position 8335. The leucine at codon 2779 is replaced by methionine, an amino acid with highly similar properties. This variant was not reported in population based cohorts in the following databases: Database of Single Nucleotide Polymorphisms (dbSNP), NHLBI Exome Sequencing Project (ESP), and 1000 Genomes Project. In the ESP, this variant was not observed in 6152 samples (12304 alleles) with coverage at this position. This amino acid position is not well conserved in available vertebrate species. In addition, this alteration is predicted to be tolerated by in silico analysis. Since supporting evidence is limited at this time, the clinical significance of this variant remains unclear.

Center for Pediatric Genomic Medicine, Children's Mercy Hospital and Clinics
Classification: Uncertain significance. Last evaluated: 2016-11-08. Review status: criteria provided, single submitter. Criteria: ACMG Guidelines, 2015. Collection method: clinical testing. Allele origin: germline.
ClinVar note: Converted during submission from Uncertain Significance to Uncertain significance.